The following is an entry in ClinVar:

ClinVar aggregate classification (germline): Uncertain significance (1 of 4 stars; one submission).

Submission:

Labcorp Genetics (formerly Invitae), Labcorp
Classification: Uncertain significance. Last evaluated: 2024-08-07. Review status: criteria provided, single submitter. Criteria: Invitae Variant Classification Sherloc (09022015). Collection method: clinical testing. Allele origin: germline.
Comment: This sequence change replaces cysteine, which is neutral and slightly polar, with serine, which is neutral and polar, at codon 158 of the RHBDF2 protein (p.Cys158Ser). This variant is present in population databases (rs754931573, gnomAD 0.009%). This variant has not been reported in the literature in individuals affected with RHBDF2-related conditions. An algorithm developed to predict the effect of missense changes on protein structure and function (PolyPhen-2) suggests that this variant is likely to be tolerated. In summary, the available evidence is currently insufficient to determine the role of this variant in disease. Therefore, it has been classified as a Variant of Uncertain Significance.

NM_001005498.4(RHBDF2):c.386G>C (p.Cys129Ser)

Gene: RHBDF2 (rhomboid 5 homolog 2; minus strand). Cytogenetic location: 17q25.1.
Variant type: single nucleotide variant.
Coding change: c.386G>C on transcript NM_001005498.4 (MANE Select); coding-DNA position 386, G replaced by C.
Protein change: p.Cys129Ser; replaces cysteine 129 with serine.
Molecular consequence: missense variant. On other transcripts: non-coding transcript variant (3).
Genome position (GRCh38, 1-based): chr17:76,479,164, C>G on the plus strand (G>C on the coding strand, the complement: RHBDF2 is on the minus strand). VCF-style: chr17-76479164-C-G. GRCh37 (hg19) VCF-style: chr17-74475246-C-G.
Other names: c.386G>C, p.Cys129Ser (NM_001376228.1, NM_001376229.1, NM_001376230.1); c.473G>C, p.Cys158Ser (NM_024599.5); short protein forms C129S, C158S.
Identifiers: ClinVar variation 3618561 (VCV003618561.2).
Genomic context (GRCh38, chr17:76,479,164, plus strand): 5'-GGGGACTCAGTGCCCTGGAAGGACGGTGCCTCCTGGCTGGGGAGCTCCAGGTCACGCTGG[C>G]ACGAGGCCTTCAGGCGGCCGTAGCGCATGCTGCAGTGGTGCAGGCTGCGGCGCTGCCACT-3'
Protein context (NP_001005498.2, residues 119-139): SMRYGRLKAS[Cys129Ser]QRDLELPSQE